The following is an entry in ClinVar:

NC_012920.1(MT-ND6):m.14573A>G

Gene: MT-ND6 (mitochondrially encoded NADH dehydrogenase 6; minus strand).
Variant type: single nucleotide variant.
Genome position: chrM-14573-A-G.
Identifiers: ClinVar variation 693739 (VCV000693739.1), dbSNP rs1603224794, ClinGen allele CA414823106.
Genomic context (GRCh38, chrMT:14,573, plus strand): 5'-ATTAAACCCATATAACCTCCCCCAAAATTCAGAATAATAACACACCCGACCACACCGCTA[A>G]CAATCAATACTAAACCCCCATAAATAGGAGAAGGCTTAGAAGAAAACCCCACAAACCCCA-3'

ClinVar aggregate classification (germline): Uncertain significance (1 of 4 stars; one submission).

Conditions:
Leigh syndrome (NULS). Also called: Leigh's necrotizing encephalopathy; Leigh's disease; Leigh's syndrome; LEIGH SYNDROME, NUCLEAR; Leigh Syndrome (mtDNA deletion); Leigh Disease. Identifiers: Orphanet 506, MedGen C2931891, MONDO:0009723, OMIM 256000.

Submission:

Wong Mito Lab, Molecular and Human Genetics, Baylor College of Medicine
Classification: Uncertain significance for Leigh syndrome. Last evaluated: 2019-10-17. Review status: criteria provided, single submitter. Criteria: Modified ACMG Guidelines (Unpublished). Collection method: clinical testing. Allele origin: germline.
Comment: The NC_012920.1:m.14573A>G (YP_003024037.1:p.Val34Ala) variant in MTND6 gene is interpretated to be a Uncertain Significance variant based on the modified ACMG guidelines (unpublished). This variant meets the following evidence codes: PP4, BP4